The following is an entry in ClinVar:

ClinVar aggregate classification (germline): Uncertain significance (1 of 4 stars; one submission).

Conditions:
PLXNA3-related disorder. Also called: PLXNA3-related condition.

Submission:

PreventionGenetics, part of Exact Sciences
Classification: Uncertain significance for PLXNA3-related condition. Last evaluated: 2026-04-22. Review status: criteria provided, single submitter. Criteria: ACMG Guidelines, 2015. Collection method: clinical testing. Allele origin: germline.
Comment: The PLXNA3 c.1844T>C variant is predicted to result in the amino acid substitution p.Val615Ala. To our knowledge, this variant has not been reported in the literature or in a large population database (gnomAD), indicating this variant is rare. At this time, the clinical significance of this variant is uncertain due to the absence of conclusive functional and genetic evidence.

NM_017514.5(PLXNA3):c.1844T>C (p.Val615Ala)

Gene: PLXNA3 (plexin A3; plus strand). Cytogenetic location: Xq28.
Variant type: single nucleotide variant.
Coding change: c.1844T>C on transcript NM_017514.5 (MANE Select); coding-DNA position 1844, T replaced by C.
Protein change: p.Val615Ala; replaces valine 615 with alanine.
Molecular consequence: missense variant.
Genome position (GRCh38, 1-based): chrX:154,464,417, T>C. VCF-style: chrX-154464417-T-C. GRCh37 (hg19) VCF-style: chrX-153692760-T-C.
Other names: short protein forms V615A.
Identifiers: ClinVar variation 4995536 (VCV004995536.1).
Genomic context (GRCh38, chrX:154,464,417, plus strand): 5'-CTCCCTACCCCCAGCGAGTTCACGGCCACCCCGGGACTGCTGCAGGGGCCACCCGCACTG[T>C]GCGGCTGCAGCTTCTCTCCAAGGAGACAGGCGTGAGGTTTGCCGGTGCTGACTTTGTCTT-3'
Protein context (NP_059984.3, residues 605-625): LTRGHGATRT[Val615Ala]RLQLLSKETG